The following is an entry in ClinVar:

NM_000282.4(PCCA):c.524G>A (p.Gly175Asp)

Gene: PCCA (propionyl-CoA carboxylase subunit alpha; plus strand). Cytogenetic location: 13q32.3.
Variant type: single nucleotide variant.
Coding change: c.524G>A on transcript NM_000282.4 (MANE Select); coding-DNA position 524, G replaced by A.
Protein change: p.Gly175Asp; replaces glycine 175 with aspartic acid.
Molecular consequence: missense variant. On other transcripts: 5 prime UTR variant (3), non-coding transcript variant (5).
Genome position (GRCh38, 1-based): chr13:100,209,387, G>A. VCF-style: chr13-100209387-G-A. GRCh37 (hg19) VCF-style: chr13-100861641-G-A.
Other names: c.446G>A, p.Gly149Asp (NM_001127692.3, NM_001352607.2, NM_001352608.2); c.524G>A, p.Gly175Asp (NM_001178004.2, NM_001352605.2, NM_001352606.2 and 1 more transcripts); c.-343G>A (NM_001352610.2, NM_001352611.2, NM_001352612.2); short protein forms G175D, G149D.
Identifiers: ClinVar variation 638022 (VCV000638022.2), dbSNP rs1421021643, ClinGen allele CA388693366.

ClinVar aggregate classification (germline): Likely pathogenic. Review status: criteria provided, single submitter (1 of 4 stars). 2 submissions from 2 submitters: Likely pathogenic (1). 1 of the submissions does not count toward it. Last evaluated 2025-03-17.

Conditions:
Propionic acidemia (PROP). Also called: GLYCINEMIA, KETOTIC; HYPERGLYCINEMIA WITH KETOACIDOSIS AND LEUKOPENIA; KETOTIC HYPERGLYCINEMIA. Identifiers: Orphanet 35, MedGen C0268579, MONDO:0011628, OMIM 606054, HP:0003571.

Submissions (2):

Myriad Genetics, Inc.
Classification: Likely pathogenic for Propionic acidemia. Last evaluated: 2025-03-17. Review status: criteria provided, single submitter. Criteria: Myriad Autosomal Dominant, Autosomal Recessive and X-Linked Classification Criteria (2023). Collection method: clinical testing. Allele origin: unknown.
Comment: NM_000282.3(PCCA):c.524G>A(G175D) is a missense variant classified as likely pathogenic in the context of PCCA-related propionic acidemia. G175D has been observed in cases with relevant disease (PMID: 35331292, 30274917). Relevant functional assessments of this variant are available in the literature (PMID: 30274917). G175D has been observed in referenced population frequency databases. In summary, NM_000282.3(PCCA):c.524G>A(G175D) is a missense variant that has functional support for pathogenicity and has been observed more frequently in cases with the relevant disease than in healthy populations. Please note: this variant was assessed in the context of healthy population screening.

Laboratory of Metabolic Disorders, Peking University First Hospital
Classification: Likely pathogenic for Propionic acidemia. Last evaluated: 2019-05-08. Review status: no assertion criteria provided. Collection method: clinical testing. Allele origin: inherited. Affected: yes. Not counted in ClinVar's aggregate classification.

Literature cited by the submitters: PubMed 30274917 (cited by Myriad Genetics, Inc.); PubMed 35331292 (cited by Myriad Genetics, Inc.).